The following is an entry in ClinVar:

ClinVar aggregate classification (germline): Uncertain significance (1 of 4 stars; one submission).

Conditions:
Bardet-Biedl syndrome (BBS). Identifiers: Orphanet 110, MedGen C0752166, MONDO:0015229.

Submission:

Labcorp Genetics (formerly Invitae), Labcorp
Classification: Uncertain significance for Bardet-Biedl syndrome. Last evaluated: 2019-12-24. Review status: criteria provided, single submitter. Criteria: Invitae Variant Classification Sherloc (09022015). Collection method: clinical testing. Allele origin: germline.
Comment: In summary, the available evidence is currently insufficient to determine the role of this variant in disease. Therefore, it has been classified as a Variant of Uncertain Significance. Algorithms developed to predict the effect of missense changes on protein structure and function are either unavailable or do not agree on the potential impact of this missense change (SIFT: "Deleterious"; PolyPhen-2: "Probably Damaging"; Align-GVGD: "Class C0"). This variant has not been reported in the literature in individuals with BBS9-related conditions. This variant is not present in population databases (ExAC no frequency). This sequence change replaces serine with threonine at codon 603 of the BBS9 protein (p.Ser603Thr). The serine residue is highly conserved and there is a small physicochemical difference between serine and threonine.

NM_198428.3(BBS9):c.1808G>C (p.Ser603Thr)

Gene: BBS9 (Bardet-Biedl syndrome 9; plus strand). Cytogenetic location: 7p14.3.
Variant type: single nucleotide variant.
Coding change: c.1808G>C on transcript NM_198428.3 (MANE Select); coding-DNA position 1808, G replaced by C.
Protein change: p.Ser603Thr; replaces serine 603 with threonine.
Molecular consequence: missense variant. On other transcripts: non-coding transcript variant (3).
Genome position (GRCh38, 1-based): chr7:33,383,684, G>C. VCF-style: chr7-33383684-G-C. GRCh37 (hg19) VCF-style: chr7-33423296-G-C.
Other names: c.1703G>C, p.Ser568Thr (NM_001033604.2); c.1793G>C, p.Ser598Thr (NM_001033605.2); c.1808G>C, p.Ser603Thr (NM_001348036.1, NM_001348041.4, NM_001348043.3 and 1 more transcripts); c.1442G>C, p.Ser481Thr (NM_001348037.3, NM_001348045.3, NM_001348046.3); c.1535G>C, p.Ser512Thr (NM_001348038.3); c.1430G>C, p.Ser477Thr (NM_001348039.3); c.1688G>C, p.Ser563Thr (NM_001348040.3, NM_014451.4); c.1673G>C, p.Ser558Thr (NM_001348042.3); and 1 more; short protein forms S446T, S563T, S568T, S603T, S512T, S481T, S558T, S598T.
Identifiers: ClinVar variation 836433 (VCV000836433.10), dbSNP rs1584588488, ClinGen allele CA367253106.